The following is an entry in ClinVar:

NM_182760.4(SUMF1):c.892G>A (p.Ala298Thr)

Gene: SUMF1 (sulfatase modifying factor 1; minus strand). Cytogenetic location: 3p26.1.
Variant type: single nucleotide variant.
Coding change: c.892G>A on transcript NM_182760.4 (MANE Select); coding-DNA position 892, G replaced by A.
Protein change: p.Ala298Thr; replaces alanine 298 with threonine.
Molecular consequence: missense variant.
Genome position (GRCh38, 1-based): chr3:4,410,927, C>T on the plus strand (G>A on the coding strand, the complement: SUMF1 is on the minus strand). VCF-style: chr3-4410927-C-T. GRCh37 (hg19) VCF-style: chr3-4452611-C-T.
Other names: c.817G>A, p.Ala273Thr (NM_001164674.2); c.892G>A, p.Ala298Thr (NM_001164675.2); short protein forms A273T, A298T.
Identifiers: ClinVar variation 1399150 (VCV001399150.7), dbSNP rs1249221556, ClinGen allele CA351631361.
Genomic context (GRCh38, chr3:4,410,927, plus strand): 5'-GGTTAAGCGTTTCTTCAACAGAATGATGAACAGTCCACCAGTCTGAAGTCCATTCCCATG[C>T]GTTCCCCACTATGTTGTATAAGCCATAACCATTGGGAGGGAAGGCATCAACCTAAAAACA-3'
Protein context (NP_877437.2, residues 288-308): GYGLYNIVGN[Ala298Thr]WEWTSDWWTV

ClinVar aggregate classification (germline): Uncertain significance (1 of 4 stars; one submission).

Conditions:
Multiple sulfatase deficiency (MSD). Also called: Mucosulfatidosis; Multiple Sulfatase Deficiency Disease; Sulfatidosis, Juvenile, Austin Type. Identifiers: Orphanet 585, MedGen C0268263, MONDO:0010088, OMIM 272200.

Allele frequency attached by ClinVar (database versions not stated): gnomAD exomes 0.00001.
gnomAD v4.1: 5 of 1,614,116 alleles (0.00031%); highest among the groups gnomAD compares: Admixed American, 0.0033%; no homozygotes.

Submission:

Labcorp Genetics (formerly Invitae), Labcorp
Classification: Uncertain significance for Multiple sulfatase deficiency. Last evaluated: 2024-10-29. Review status: criteria provided, single submitter. Criteria: Invitae Variant Classification Sherloc (09022015). Collection method: clinical testing. Allele origin: germline.
Comment: This sequence change replaces alanine, which is neutral and non-polar, with threonine, which is neutral and polar, at codon 298 of the SUMF1 protein (p.Ala298Thr). This variant is present in population databases (no rsID available, gnomAD 0.006%). This variant has not been reported in the literature in individuals affected with SUMF1-related conditions. ClinVar contains an entry for this variant (Variation ID: 1399150). Invitae Evidence Modeling of protein sequence and biophysical properties (such as structural, functional, and spatial information, amino acid conservation, physicochemical variation, residue mobility, and thermodynamic stability) has been performed for this missense variant. However, the output from this modeling did not meet the statistical confidence thresholds required to predict the impact of this variant on SUMF1 protein function. In summary, the available evidence is currently insufficient to determine the role of this variant in disease. Therefore, it has been classified as a Variant of Uncertain Significance.